The following is an entry in ClinVar:

ClinVar aggregate classification (germline): Uncertain significance (1 of 4 stars; one submission).

Conditions:
Catecholaminergic polymorphic ventricular tachycardia (CVPT). Also called: Catecholamine-induced polymorphic ventricular tachycardia. Identifiers: Orphanet 3286, MedGen C5574922, MONDO:0017990.

Submission:

All of Us Research Program, National Institutes of Health
Classification: Uncertain significance for Catecholaminergic polymorphic ventricular tachycardia. Last evaluated: 2023-05-30. Review status: criteria provided, single submitter. Criteria: ACMG Guidelines, 2015. Collection method: clinical testing. Allele origin: germline. Inheritance: Autosomal dominant inheritance. Observed: 2 variant alleles, 2 heterozygotes.
Comment: This missense variant replaces serine with proline at codon 922 of the RYR2 protein. Computational prediction is inconclusive regarding the impact of this variant on protein structure and function (internally defined REVEL score threshold 0.5 < inconclusive < 0.7, PMID: 27666373). To our knowledge, functional studies have not been reported for this variant. This variant has not been reported in individuals affected with RYR2-related disorders in the literature. This variant has not been identified in the general population by the Genome Aggregation Database (gnomAD). The available evidence is insufficient to determine the role of this variant in disease conclusively. Therefore, this variant is classified as a Variant of Uncertain Significance.

This study involves interpretation of variants in research participants for the purpose of population health screening. Participant phenotype was not available at the time of variant classification. Additional details can be found in publication PMID: 35346344, PMCID: PMC8962531

NM_001035.3(RYR2):c.2764T>C (p.Ser922Pro)

Gene: RYR2 (ryanodine receptor 2; plus strand). Cytogenetic location: 1q43.
Variant type: single nucleotide variant.
Coding change: c.2764T>C on transcript NM_001035.3 (MANE Select); coding-DNA position 2764, T replaced by C.
Protein change: p.Ser922Pro; replaces serine 922 with proline.
Molecular consequence: missense variant.
Genome position (GRCh38, 1-based): chr1:237,511,733, T>C. VCF-style: chr1-237511733-T-C. GRCh37 (hg19) VCF-style: chr1-237675033-T-C.
Other names: short protein forms S922P.
Identifiers: ClinVar variation 3069558 (VCV003069558.1), dbSNP rs2545966566, ClinGen allele CA345383393.